The following is an entry in ClinVar:

ClinVar aggregate classification (germline): Pathogenic. Review status: criteria provided, multiple submitters, no conflicts (2 of 4 stars). 2 submissions from 2 submitters: Pathogenic (2). Last evaluated 2025-12-30.

Conditions:
Granulomatous disease, chronic, X-linked. Also called: CYTOCHROME b-NEGATIVE GRANULOMATOUS DISEASE, CHRONIC, X-LINKED; GRANULOMATOUS DISEASE, CHRONIC, X-LINKED, SOMATIC MOSAIC. Identifiers: Orphanet 379, MedGen C1844376, MONDO:0010600, OMIM 306400.

Submissions (2):

Molecular Diagnostics Laboratory, M Health Fairview: University of Minnesota
Classification: Pathogenic for Granulomatous disease, chronic, X-linked. Last evaluated: 2025-12-30. Review status: criteria provided, single submitter. Criteria: ACMG Guidelines, 2015. Collection method: clinical testing. Allele origin: germline. Affected: yes.

GeneDx
Classification: Pathogenic. Last evaluated: 2020-12-04. Review status: criteria provided, single submitter. Criteria: GeneDx Variant Classification Process June 2021. Collection method: clinical testing. Allele origin: germline. Affected: yes.
Comment: Canonical splice site variant expected to result in aberrant splicing, although in the absence of functional evidence the actual effect of this sequence change is unknown.; Not observed in large population cohorts (Lek et al., 2016); This variant is associated with the following publications: (PMID: 9585602, 8500277, 8070813, 32040803)

NM_000397.4(CYBB):c.141+1G>T

Gene: CYBB (cytochrome b-245 beta chain; plus strand). Cytogenetic location: Xp21.1.
Variant type: single nucleotide variant.
Coding change: c.141+1G>T on transcript NM_000397.4 (MANE Select); the canonical splice donor site of the intron after coding-DNA position 141, G replaced by T.
Molecular consequence: splice donor variant.
Genome position (GRCh38, 1-based): chrX:37,782,184, G>T. VCF-style: chrX-37782184-G-T. GRCh37 (hg19) VCF-style: chrX-37641437-G-T.
Identifiers: ClinVar variation 431813 (VCV000431813.4), dbSNP rs1556464581, ClinGen allele CA412972684.